The following is an entry in ClinVar:

NM_031427.4(DNAL1):c.490G>A (p.Glu164Lys)

Gene: DNAL1 (dynein axonemal light chain 1; plus strand). Cytogenetic location: 14q24.3.
Variant type: single nucleotide variant.
Coding change: c.490G>A on transcript NM_031427.4 (MANE Select); coding-DNA position 490, G replaced by A.
Protein change: p.Glu164Lys; replaces glutamic acid 164 with lysine.
Molecular consequence: missense variant.
Genome position (GRCh38, 1-based): chr14:73,689,473, G>A. VCF-style: chr14-73689473-G-A. GRCh37 (hg19) VCF-style: chr14-74156176-G-A.
Other names: c.373G>A, p.Glu125Lys (NM_001201366.2); short protein forms E164K, E125K.
Identifiers: ClinVar variation 314018 (VCV000314018.8), dbSNP rs190778454, ClinGen allele CA7261502.
Genomic context (GRCh38, chr14:73,689,473, plus strand): 5'-GACCTGGTGTTTGTAGGCAATCCCTTGGAAGAGAAACATTCTGCTGAGAATAACTGGATT[G>A]AAGAAGCAACCAAGAGAGTGCCCAAACTGAAAAAGCTGGATGGTGAGTGATTCTGAGCTG-3'
Protein context (NP_113615.2, residues 154-174): EKHSAENNWI[Glu164Lys]EATKRVPKLK

ClinVar aggregate classification (germline): Uncertain significance. Review status: criteria provided, multiple submitters, no conflicts (2 of 4 stars). 2 submissions from 2 submitters: Uncertain significance (2). Last evaluated 2025-05-19.

Conditions:
Inborn genetic diseases. Identifiers: MedGen C0950123, MeSH D030342.
Primary ciliary dyskinesia 16. Also called: CILIARY DYSKINESIA, PRIMARY, 16, WITH OR WITHOUT SITUS INVERSUS. Identifiers: Orphanet 244, MedGen C3151460, MONDO:0013525, OMIM 614017.

Allele frequency attached by ClinVar (database versions not stated): gnomAD 0.00001 and 0.00002; gnomAD exomes 0.00002 and 0.00005; TOPMed 0.00006; ExAC 0.00009; 1000 Genomes Project 0.00020; 1000 Genomes Project 30x 0.00031.
gnomAD v4.1: 40 of 1,581,678 alleles (0.0025%); highest among the groups gnomAD compares: Admixed American, 0.015%; no homozygotes.

Submissions (2):

Ambry Genetics
Classification: Uncertain significance for Inborn genetic diseases. Last evaluated: 2025-05-19. Review status: criteria provided, single submitter. Criteria: Ambry Variant Classification Scheme 2023. Collection method: clinical testing. Allele origin: germline.

Labcorp Genetics (formerly Invitae), Labcorp
Classification: Uncertain significance for Primary ciliary dyskinesia 16. Last evaluated: 2021-09-01. Review status: criteria provided, single submitter. Criteria: Invitae Variant Classification Sherloc (09022015). Collection method: clinical testing. Allele origin: germline.
Comment: This sequence change replaces glutamic acid with lysine at codon 164 of the DNAL1 protein (p.Glu164Lys). The glutamic acid residue is moderately conserved and there is a small physicochemical difference between glutamic acid and lysine. This variant is present in population databases (rs190778454, ExAC 0.2%). This variant has not been reported in the literature in individuals affected with DNAL1-related conditions. ClinVar contains an entry for this variant (Variation ID: 314018). Algorithms developed to predict the effect of missense changes on protein structure and function (SIFT, PolyPhen-2, Align-GVGD) all suggest that this variant is likely to be tolerated. In summary, the available evidence is currently insufficient to determine the role of this variant in disease. Therefore, it has been classified as a Variant of Uncertain Significance.